The following is an entry in ClinVar:

NM_001845.6(COL4A1):c.4462+4A>G

Gene: COL4A1 (collagen type IV alpha 1 chain; minus strand). Cytogenetic location: 13q34.
Variant type: single nucleotide variant.
Coding change: c.4462+4A>G on transcript NM_001845.6 (MANE Select); 4 bases into the intron after coding-DNA position 4462, A replaced by G.
Molecular consequence: intron variant.
Genome position (GRCh38, 1-based): chr13:110,162,226, T>C on the plus strand (A>G on the coding strand, the complement: COL4A1 is on the minus strand). VCF-style: chr13-110162226-T-C. GRCh37 (hg19) VCF-style: chr13-110814573-T-C.
Identifiers: ClinVar variation 1404190 (VCV001404190.6), dbSNP rs2139146049, ClinGen allele CA2573149482.
Genomic context (GRCh38, chr13:110,162,226, plus strand): 5'-CTGCACACCGAAGGCACTCAACACACCTACACTGAATGAATGCATGGATCTGCAGGCTTC[T>C]TACCCAAGTCCTGGCCATGGGCCCGTTCATTGCCTTGCACGTAGAGCAAAGAGTACCCGT-3'

ClinVar aggregate classification (germline): Uncertain significance (1 of 4 stars; one submission).

Allele frequency attached by ClinVar (database versions not stated): gnomAD exomes 0.00001.

Submission:

Labcorp Genetics (formerly Invitae), Labcorp
Classification: Uncertain significance. Last evaluated: 2025-12-13. Review status: criteria provided, single submitter. Criteria: Invitae Variant Classification Sherloc (09022015). Collection method: clinical testing. Allele origin: germline.
Comment: This sequence change falls in intron 48 of the COL4A1 gene. It does not directly change the encoded amino acid sequence of the COL4A1 protein. It affects a nucleotide within the consensus splice site. This variant is not present in population databases (gnomAD no frequency). This variant has not been reported in the literature in individuals affected with COL4A1-related conditions. ClinVar contains an entry for this variant (Variation ID: 1404190). Variants that disrupt the consensus splice site are a relatively common cause of aberrant splicing (PMID: 17576681, 9536098). Algorithms developed to predict the effect of sequence changes on RNA splicing suggest that this variant may disrupt the consensus splice site. In summary, the available evidence is currently insufficient to determine the role of this variant in disease. Therefore, it has been classified as a Variant of Uncertain Significance.

Literature cited by the submitters: PubMed 17576681; PubMed 9536098.